The following is an entry in ClinVar:

ClinVar aggregate classification (germline): Uncertain significance (1 of 4 stars; one submission).

Conditions:
Hereditary cancer-predisposing syndrome. Also called: Neoplastic Syndromes, Hereditary; Tumor predisposition; Hereditary neoplastic syndrome; Hereditary Cancer Syndrome. Identifiers: Orphanet 140162, MedGen C0027672, MeSH D009386, MONDO:0015356.

Allele frequency attached by ClinVar (database versions not stated): gnomAD exomes below 0.00001.
gnomAD v4.1: 1 of 1,614,038 alleles (0.000062%); highest among the groups gnomAD compares: Non-Finnish European, 0.000085%; no homozygotes.

Submission:

Ambry Genetics
Classification: Uncertain significance for Hereditary cancer-predisposing syndrome. Last evaluated: 2024-03-11. Review status: criteria provided, single submitter. Criteria: Ambry Variant Classification Scheme 2023. Collection method: clinical testing. Allele origin: germline.
Comment: The p.M294I variant (also known as c.882G>A), located in coding exon 1 of the MET gene, results from a G to A substitution at nucleotide position 882. The methionine at codon 294 is replaced by isoleucine, an amino acid with highly similar properties. This amino acid position is highly conserved in available vertebrate species. In addition, the in silico prediction for this alteration is inconclusive. Based on the available evidence, the clinical significance of this alteration remains unclear.

NM_000245.4(MET):c.882G>A (p.Met294Ile)

Gene: MET (MET proto-oncogene, receptor tyrosine kinase; plus strand). Cytogenetic location: 7q31.2.
Variant type: single nucleotide variant.
Coding change: c.882G>A on transcript NM_000245.4 (MANE Select); coding-DNA position 882, G replaced by A.
Protein change: p.Met294Ile; replaces methionine 294 with isoleucine.
Molecular consequence: missense variant. On other transcripts: intron variant (1).
Genome position (GRCh38, 1-based): chr7:116,699,966, G>A. VCF-style: chr7-116699966-G-A. GRCh37 (hg19) VCF-style: chr7-116340020-G-A.
Other names: c.882G>A, p.Met294Ile (NM_001127500.3, NM_001324401.3); c.-91+27389G>A (NM_001324402.2); short protein forms M294I.
Identifiers: ClinVar variation 3233012 (VCV003233012.1), dbSNP rs2116600156, ClinGen allele CA368970063.